The following is an entry in ClinVar:

ClinVar aggregate classification (germline): Likely benign. Review status: criteria provided, multiple submitters, no conflicts (2 of 4 stars). 2 submissions from 2 submitters: Likely benign (2). Last evaluated 2026-01-30.

Submissions (2):

Labcorp Genetics (formerly Invitae), Labcorp
Classification: Likely benign. Last evaluated: 2026-01-30. Review status: criteria provided, single submitter. Criteria: Invitae Variant Classification Sherloc (09022015). Collection method: clinical testing. Allele origin: germline.

Women's Health and Genetics/Laboratory Corporation of America, LabCorp
Classification: Likely benign. Last evaluated: 2025-02-11. Review status: criteria provided, single submitter. Criteria: LabCorp Variant Classification Summary - May 2015. Collection method: clinical testing. Allele origin: germline.
Comment: Variant summary: ERCC5 c.3238_3239delinsCA (p.Gly1080Gln) results in a non-conservative amino acid change in the encoded protein sequence. One of two in-silico tools predict a benign effect of the variant on protein function. The variant allele was found at a frequency of 0.00083 in 281534 control chromosomes, predominantly at a frequency of 0.0069 within the African or African-American subpopulation in the gnomAD database. The observed variant frequency within African or African-American control individuals in the gnomAD database exceeds the estimated maximal expected allele frequency for a pathogenic variant in ERCC5 causing Cerebrooculofacioskeletal Syndrome 3 phenotype. To our knowledge, no occurrence of c.3238_3239delinsCA in individuals affected with Cerebrooculofacioskeletal Syndrome 3 and no experimental evidence demonstrating its impact on protein function have been reported. ClinVar contains an entry for this variant (Variation ID: 2162960). Based on the evidence outlined above, the variant was classified as likely benign.

NM_000123.4(ERCC5):c.3238_3239delinsCA (p.Gly1080Gln)

Genes: BIVM-ERCC5 (BIVM-ERCC5 readthrough; plus strand), ERCC5 (ERCC excision repair 5, endonuclease; plus strand). Cytogenetic location: 13q33.1.
Variant type: Indel.
Coding change: c.3238_3239delinsCA on transcript NM_000123.4 (MANE Select); coding-DNA positions 3238 to 3239, GG replaced by CA.
Protein change: p.Gly1080Gln; replaces glycine 1080 with glutamine.
Molecular consequence: missense variant.
Genome position (GRCh38, 1-based): chr13:102,875,580-102,875,581, GG replaced by CA. VCF-style: chr13-102875580-GG-CA. GRCh37 (hg19) VCF-style: chr13-103527930-GG-CA.
Other names: c.4600_4601delinsCA, p.Gly1534Gln (NM_001204425.2); short protein forms R1080Q, G1080Q, G1534Q.
Identifiers: ClinVar variation 2162960 (VCV002162960.5), dbSNP rs587778291, ClinGen allele CA158966.